The following is an entry in ClinVar:

NM_017739.4(POMGNT1):c.359T>C (p.Leu120Pro)

Genes: POMGNT1 (protein O-linked mannose N-acetylglucosaminyltransferase 1 (beta 1,2-); minus strand), TSPAN1 (tetraspanin 1; plus strand). Cytogenetic location: 1p34.1.
Variant type: single nucleotide variant.
Coding change: c.359T>C on transcript NM_017739.4 (MANE Select); coding-DNA position 359, T replaced by C.
Protein change: p.Leu120Pro; replaces leucine 120 with proline.
Molecular consequence: missense variant. On other transcripts: 5 prime UTR variant (1).
Genome position (GRCh38, 1-based): chr1:46,196,073, A>G on the plus strand (T>C on the coding strand, the complement: POMGNT1 is on the minus strand). VCF-style: chr1-46196073-A-G. GRCh37 (hg19) VCF-style: chr1-46661745-A-G.
Other names: NC_000001.10:g.46661745A>G; NP_060209.4:p.(Leu120Pro); c.293T>C, p.Leu98Pro (NM_001290129.3); c.-71T>C (NM_001290130.2); c.359T>C, p.Leu120Pro (NM_001410783.1, NM_001243766.2); short protein forms L120P, L98P.
Identifiers: ClinVar variation 3381819 (VCV003381819.3).

ClinVar aggregate classification (germline): Conflicting classifications of pathogenicity. Review status: criteria provided, conflicting classifications (1 of 4 stars). 2 submissions from 2 submitters: Likely pathogenic (1); Uncertain significance (1). Last evaluated 2025-12-02.

Conditions:
Retinal dystrophy. Also called: Inherited retinal dystrophy. Identifiers: Orphanet 71862, MedGen C0854723, MeSH D058499, MONDO:0019118, HP:0000556.

Submissions (2):

Women's Health and Genetics/Laboratory Corporation of America, LabCorp
Classification: Uncertain significance. Last evaluated: 2025-12-02. Review status: criteria provided, single submitter. Criteria: LabCorp Variant Classification Summary - May 2015. Collection method: clinical testing. Allele origin: germline.
Comment: Variant summary: POMGNT1 c.359T>C (p.Leu120Pro) results in a non-conservative amino acid change in the encoded protein sequence. Algorithms developed to predict the effect of missense changes on protein structure and function all suggest that this variant is likely to be disruptive. The variant was absent in 251186 control chromosomes. The available data on variant occurrences in the general population are insufficient to allow any conclusion about variant significance. To our knowledge, no occurrence of c.359T>C in individuals affected with POMGNT1-related conditions and no experimental evidence demonstrating its impact on protein function have been reported. ClinVar contains an entry for this variant (Variation ID: 3381819). Based on the evidence outlined above, the variant was classified as uncertain significance.

Ophthalmic Genetics Group, Institute of Molecular and Clinical Ophthalmology Basel
Classification: Likely pathogenic for Retinal dystrophy. Last evaluated: 2024-05-27. Review status: criteria provided, single submitter. Criteria: ACMG Guidelines, 2015. Collection method: research. Allele origin: germline. Affected: yes. Observed: 2 variant alleles.
Comment: This variant was classified as Likely pathogenic based on ACMG criteria: PM5_mod, PP3_mod, PM2_mod and PP1_strong

Literature cited by the submitters: PubMed 40180963 (cited by Ophthalmic Genetics Group, Institute of Molecular and Clinical Ophthalmology Basel).